The following is an entry in ClinVar:

NM_031935.3(HMCN1):c.6887G>T (p.Gly2296Val)

Gene: HMCN1 (hemicentin 1; plus strand). Cytogenetic location: 1q31.1.
Variant type: single nucleotide variant.
Coding change: c.6887G>T on transcript NM_031935.3 (MANE Select); coding-DNA position 6887, G replaced by T.
Protein change: p.Gly2296Val; replaces glycine 2296 with valine.
Molecular consequence: missense variant.
Genome position (GRCh38, 1-based): chr1:186,055,417, G>T. VCF-style: chr1-186055417-G-T. GRCh37 (hg19) VCF-style: chr1-186024549-G-T.
Other names: short protein forms G2296V.
Identifiers: ClinVar variation 1719126 (VCV001719126.5), dbSNP rs2527720663, ClinGen allele CA343901791.
Genomic context (GRCh38, chr1:186,055,417, plus strand): 5'-CTCTTTTGTTTCTTTTTATCTTCCTCCAACCCTCAGTTAGACCAACCATAACCAACAGTG[G>T]CAGCCACCCTACTGAAATTATTGTGACCCGAGGGAAGAGTATCTCCTTGGAGTGTGAGGT-3'
Protein context (NP_114141.2, residues 2286-2306): VYIRPTITNS[Gly2296Val]SHPTEIIVTR

ClinVar aggregate classification (germline): Uncertain significance (1 of 4 stars; one submission).

Submission:

Labcorp Genetics (formerly Invitae), Labcorp
Classification: Uncertain significance. Last evaluated: 2023-12-11. Review status: criteria provided, single submitter. Criteria: Invitae Variant Classification Sherloc (09022015). Collection method: clinical testing. Allele origin: germline.
Comment: This sequence change replaces glycine, which is neutral and non-polar, with valine, which is neutral and non-polar, at codon 2296 of the HMCN1 protein (p.Gly2296Val). This variant is not present in population databases (gnomAD no frequency). This variant has not been reported in the literature in individuals affected with HMCN1-related conditions. ClinVar contains an entry for this variant (Variation ID: 1719126). An algorithm developed to predict the effect of missense changes on protein structure and function (PolyPhen-2) suggests that this variant is likely to be disruptive. In summary, the available evidence is currently insufficient to determine the role of this variant in disease. Therefore, it has been classified as a Variant of Uncertain Significance.